The following is an entry in ClinVar:

NM_012418.4(FSCN2):c.518C>T (p.Ala173Val)

Gene: FSCN2 (fascin actin-bundling protein 2, retinal; plus strand). Cytogenetic location: 17q25.3.
Variant type: single nucleotide variant.
Coding change: c.518C>T on transcript NM_012418.4 (MANE Select); coding-DNA position 518, C replaced by T.
Protein change: p.Ala173Val; replaces alanine 173 with valine.
Molecular consequence: missense variant.
Genome position (GRCh38, 1-based): chr17:81,529,049, C>T. VCF-style: chr17-81529049-C-T. GRCh37 (hg19) VCF-style: chr17-79496075-C-T.
Other names: c.518C>T, p.Ala173Val (NM_001077182.3); short protein forms A173V.
Identifiers: ClinVar variation 2786852 (VCV002786852.3), dbSNP rs2032455764, ClinGen allele CA401471369.

ClinVar aggregate classification (germline): Uncertain significance (1 of 4 stars; one submission).

Allele frequency attached by ClinVar (database versions not stated): gnomAD 0.00001.

Submission:

Labcorp Genetics (formerly Invitae), Labcorp
Classification: Uncertain significance. Last evaluated: 2025-07-08. Review status: criteria provided, single submitter. Criteria: Invitae Variant Classification Sherloc (09022015). Collection method: clinical testing. Allele origin: germline.
Comment: This sequence change replaces alanine, which is neutral and non-polar, with valine, which is neutral and non-polar, at codon 173 of the FSCN2 protein (p.Ala173Val). This variant is not present in population databases (gnomAD no frequency). This variant has not been reported in the literature in individuals affected with FSCN2-related conditions. ClinVar contains an entry for this variant (Variation ID: 2786852). An algorithm developed to predict the effect of missense changes on protein structure and function (PolyPhen-2) suggests that this variant is likely to be disruptive. In summary, the available evidence is currently insufficient to determine the role of this variant in disease. Therefore, it has been classified as a Variant of Uncertain Significance.